The following is an entry in ClinVar:

NM_001376.5(DYNC1H1):c.5874C>T (p.Asp1958=)

Gene: DYNC1H1 (dynein cytoplasmic 1 heavy chain 1; plus strand). Cytogenetic location: 14q32.31.
Variant type: single nucleotide variant.
Coding change: c.5874C>T on transcript NM_001376.5 (MANE Select); coding-DNA position 5874, C replaced by T.
Protein change: p.Asp1958=; no amino-acid change (aspartic acid 1958 retained).
Molecular consequence: synonymous variant.
Genome position (GRCh38, 1-based): chr14:102,008,234, C>T. VCF-style: chr14-102008234-C-T. GRCh37 (hg19) VCF-style: chr14-102474571-C-T.
Other names: p.Asp1958=.
Identifiers: ClinVar variation 589430 (VCV000589430.52), dbSNP rs142726284, ClinGen allele CA7352502.

ClinVar aggregate classification (germline): Likely benign. Review status: criteria provided, multiple submitters, no conflicts (2 of 4 stars). 9 submissions from 9 submitters: Likely benign (8). 1 of the submissions does not count toward it. Last evaluated 2025-11-03.

Conditions:
Inborn genetic diseases. Identifiers: MedGen C0950123, MeSH D030342.
Charcot-Marie-Tooth disease axonal type 2O. Also called: Charcot-Marie-Tooth Neuropathy Type 2O; Charcot-Marie-Tooth disease, axonal, type 20; CHARCOT-MARIE-TOOTH NEUROPATHY, AXONAL, TYPE 2O; CHARCOT-MARIE-TOOTH DISEASE, AXONAL, AUTOSOMAL DOMINANT, TYPE 2O. Identifiers: Orphanet 284232, MedGen C3280220, MONDO:0013644, OMIM 614228.
DYNC1H1-related disorder. Also called: DYNC1H1-related condition; DYNC1H1-related disorders. Identifiers: MedGen CN381529.
Charcot-Marie-Tooth disease. Also called: Charcot-Marie-Tooth Neuropathy; Charcot-Marie-Tooth Hereditary Neuropathy. Identifiers: Orphanet 166, MedGen C0007959, MONDO:0015626.

Allele frequency attached by ClinVar (database versions not stated): gnomAD exomes 0.00003 and 0.00007; gnomAD 0.00005; TOPMed 0.00005; ExAC 0.00006; ESP Exome Variant Server 0.00008.
gnomAD v4.1: 55 of 1,614,086 alleles (0.0034%); highest among the groups gnomAD compares: Middle Eastern, 0.082%; no homozygotes.

Submissions (9):

Labcorp Genetics (formerly Invitae), Labcorp
Classification: Likely benign for Charcot-Marie-Tooth disease axonal type 2O. Last evaluated: 2025-11-03. Review status: criteria provided, single submitter. Criteria: Invitae Variant Classification Sherloc (09022015). Collection method: clinical testing. Allele origin: germline.

Mayo Clinic Laboratories, Mayo Clinic
Classification: Likely benign. Last evaluated: 2025-05-27. Review status: criteria provided, single submitter. Criteria: ACMG Guidelines, 2015. Collection method: clinical testing. Allele origin: germline. Observed: 1 variant allele.
Comment: BS2, BP4, BP5, BP7

ARUP Laboratories, Molecular Genetics and Genomics, ARUP Laboratories
Classification: Likely benign. Last evaluated: 2024-09-16. Review status: criteria provided, single submitter. Criteria: ARUP Molecular Germline Variant Investigation Process 2024. Collection method: clinical testing. Allele origin: germline.

Blueprint Genetics
Classification: Likely benign. Last evaluated: 2023-12-07. Review status: criteria provided, single submitter. Criteria: ACMG Guidelines, 2015. Collection method: clinical testing. Allele origin: germline.

CeGaT Center for Human Genetics Tuebingen
Classification: Likely benign. Last evaluated: 2022-04-01. Review status: criteria provided, single submitter. Criteria: CeGaT Center For Human Genetics Tuebingen Variant Classification Criteria Version 2. Collection method: clinical testing. Allele origin: germline. Affected: yes. Observed: 1 variant allele.
Comment: DYNC1H1: BP4, BP7

GeneDx
Classification: Likely benign. Last evaluated: 2021-01-14. Review status: criteria provided, single submitter. Criteria: GeneDx Variant Classification Process June 2021. Collection method: clinical testing. Allele origin: germline. Affected: yes.

Ambry Genetics
Classification: Likely benign for Inborn genetic diseases. Last evaluated: 2016-10-17. Review status: criteria provided, single submitter. Criteria: Ambry Variant Classification Scheme 2023. Collection method: clinical testing. Allele origin: germline.

Molecular Genetics Laboratory, London Health Sciences Centre
Classification: Likely benign for Charcot-Marie-Tooth disease. Review status: criteria provided, single submitter. Criteria: ACMG Guidelines, 2015. Collection method: clinical testing. Allele origin: germline. Affected: yes.

PreventionGenetics, part of Exact Sciences
Classification: Likely benign for DYNC1H1-related condition. Last evaluated: 2023-02-22. Review status: no assertion criteria provided. Collection method: clinical testing. Allele origin: germline. Not counted in ClinVar's aggregate classification.
Comment: This variant is classified as likely benign based on ACMG/AMP sequence variant interpretation guidelines (Richards et al. 2015 PMID: 25741868, with internal and published modifications).